The following is an entry in ClinVar:

NM_001267550.2(TTN):c.5714_5715del (p.Ser1904_Tyr1905insTer)

Gene: TTN (titin; minus strand). Cytogenetic location: 2q31.2.
Variant type: Microsatellite.
Coding change: c.5714_5715del on transcript NM_001267550.2 (MANE Select); coding-DNA positions 5714 to 5715, 2 bases deleted (AT; older notation c.5714_5715delAT).
Protein change: p.Ser1904_Tyr1905insTer.
Molecular consequence: nonsense. On other transcripts: frameshift variant (1).
Genome position (GRCh38, 1-based): chr2:178,776,149-178,776,150, AT deleted on the plus strand (AT on the coding strand, the reverse complement: TTN is on the minus strand); deleting any 2 consecutive bases within chr2:178,776,149-178,776,152 gives the same sequence; the c. name uses the placement nearest the transcript's 3' end. VCF-style (leftmost placement, unchanged base first): chr2-178776148-CAT-C. GRCh37 (hg19) VCF-style: chr2-179640875-CAT-C.
Other names: c.5714_5715del, p.Ser1904_Tyr1905insTer (NM_001256850.1, NM_133378.4, NM_133379.5); c.5712_5713AT[1], p.Tyr1905Terfs (NM_001267550.1); c.5576_5577del, p.Ser1858_Tyr1859insTer (NM_003319.4, NM_133432.3, NM_133437.4); c.5714_5715del (NM_001267550.1).
Identifiers: ClinVar variation 4784573 (VCV004784573.2).
Genomic context (GRCh38, chr2:178,776,148, plus strand): 5'-TCACTTTATGCTCTATCACACCTTCAGGATTTTCCGCGGTGACCTTCACTTCACCTGTGT[CAT>C]ATGATTTGCAGTCCACGATGTCCAGGTAATGGATACCATCATAGCGAACTCTGAACCTTT-3'

ClinVar aggregate classification (germline): Conflicting classifications of pathogenicity. Review status: criteria provided, conflicting classifications (1 of 4 stars). 2 submissions from 2 submitters: Likely pathogenic (1); Uncertain significance (1). Last evaluated 2026-03-24.

Conditions:
Autosomal recessive limb-girdle muscular dystrophy type 2J (LGMDR10). Also called: Limb-girdle muscular dystrophy, type 2J; MUSCULAR DYSTROPHY, LIMB-GIRDLE, AUTOSOMAL RECESSIVE 10. Identifiers: Orphanet 140922, MedGen C1837342, MONDO:0012127, OMIM 608807.
Dilated cardiomyopathy 1G (CMD1G). Identifiers: Orphanet 154, MedGen C1858763, MONDO:0011400, OMIM 604145.

Submissions (2):

GeneDx
Classification: Uncertain significance. Last evaluated: 2026-03-24. Review status: criteria provided, single submitter. Criteria: GeneDx Variant Classification Process June 2021. Collection method: clinical testing. Allele origin: germline.
Comment: Nonsense variant predicted to result in protein truncation or nonsense mediated decay in a region of a gene for which loss of function is not a well-established mechanism of disease; Not observed at significant frequency in large population cohorts (gnomAD); Has not been previously published as pathogenic or benign to our knowledge

Labcorp Genetics (formerly Invitae), Labcorp
Classification: Likely pathogenic for Dilated cardiomyopathy 1G; Autosomal recessive limb-girdle muscular dystrophy type 2J. Last evaluated: 2025-04-23. Review status: criteria provided, single submitter. Criteria: Invitae Variant Classification Sherloc (09022015). Collection method: clinical testing. Allele origin: germline.
Comment: This sequence change creates a premature translational stop signal (p.Tyr1905*) in the TTN gene. While this is not anticipated to result in nonsense mediated decay, it is expected to create a truncated TTN protein. This variant is not present in population databases (gnomAD no frequency). This variant has not been reported in the literature in individuals affected with TTN-related conditions. This variant is located in the Z band of TTN (PMID: 25589632). Truncating variants in this region have been reported in individuals affected with autosomal recessive centronuclear myopathy (PMID: 33449170, internal data). Truncating variants in this region have also been identified in individuals affected with autosomal dominant dilated cardiomyopathy and/or cardio-related conditions (PMID: 27869827, 32964742, internal data). In summary, the currently available evidence indicates that the variant is pathogenic, but additional data are needed to prove that conclusively. Therefore, this variant has been classified as Likely Pathogenic.

Literature cited by the submitters: PubMed 25589632 (cited by Labcorp Genetics (formerly Invitae), Labcorp); PubMed 33449170 (cited by Labcorp Genetics (formerly Invitae), Labcorp); PubMed 27869827 (cited by Labcorp Genetics (formerly Invitae), Labcorp); PubMed 32964742 (cited by Labcorp Genetics (formerly Invitae), Labcorp).